The following is an entry in ClinVar:

NM_003470.3(USP7):c.2446A>G (p.Arg816Gly)

Gene: USP7 (ubiquitin specific peptidase 7; minus strand). Cytogenetic location: 16p13.2.
Variant type: single nucleotide variant.
Coding change: c.2446A>G on transcript NM_003470.3 (MANE Select); coding-DNA position 2446, A replaced by G.
Protein change: p.Arg816Gly; replaces arginine 816 with glycine.
Molecular consequence: missense variant. On other transcripts: non-coding transcript variant (1).
Genome position (GRCh38, 1-based): chr16:8,899,621, T>C on the plus strand (A>G on the coding strand, the complement: USP7 is on the minus strand). VCF-style: chr16-8899621-T-C. GRCh37 (hg19) VCF-style: chr16-8993478-T-C.
Other names: c.2398A>G, p.Arg800Gly (NM_001286457.2); c.2149A>G, p.Arg717Gly (NM_001286458.2); c.2272A>G, p.Arg758Gly (NM_001321858.2); short protein forms R758G, R717G, R800G, R816G.
Identifiers: ClinVar variation 2817287 (VCV002817287.3), dbSNP rs1173046298, ClinGen allele CA394698781.

ClinVar aggregate classification (germline): Uncertain significance (1 of 4 stars; one submission).

Allele frequency attached by ClinVar (database versions not stated): gnomAD exomes below 0.00001; TOPMed below 0.00001; gnomAD 0.00001.
gnomAD v4.1: 3 of 1,614,062 alleles (0.00019%); highest among the groups gnomAD compares: Non-Finnish European, 0.00025%; no homozygotes.

Submission:

Labcorp Genetics (formerly Invitae), Labcorp
Classification: Uncertain significance. Last evaluated: 2023-06-21. Review status: criteria provided, single submitter. Criteria: Invitae Variant Classification Sherloc (09022015). Collection method: clinical testing. Allele origin: germline.
Comment: This sequence change replaces arginine, which is basic and polar, with glycine, which is neutral and non-polar, at codon 816 of the USP7 protein (p.Arg816Gly). An algorithm developed to predict the effect of missense changes on protein structure and function (PolyPhen-2) suggests that this variant is likely to be tolerated. This variant has not been reported in the literature in individuals affected with USP7-related conditions. This variant is not present in population databases (gnomAD no frequency). In summary, the available evidence is currently insufficient to determine the role of this variant in disease. Therefore, it has been classified as a Variant of Uncertain Significance.